The following is an entry in ClinVar:

ClinVar aggregate classification (germline): Uncertain significance (1 of 4 stars; one submission).

Conditions:
Landau-Kleffner syndrome (FESD). Also called: EPILEPSY, FOCAL, WITH SPEECH DISORDER AND WITH OR WITHOUT MENTAL RETARDATION; APHASIA, ACQUIRED, WITH EPILEPSY. Identifiers: Orphanet 1945, Orphanet 725, Orphanet 98818, MedGen C0282512, MONDO:0009509, OMIM 245570.

gnomAD v4.1: 1 of 1,614,190 alleles (0.000062%); highest among the groups gnomAD compares: East Asian, 0.0022%; no homozygotes.

Submission:

Labcorp Genetics (formerly Invitae), Labcorp
Classification: Uncertain significance for Landau-Kleffner syndrome. Last evaluated: 2024-11-16. Review status: criteria provided, single submitter. Criteria: Invitae Variant Classification Sherloc (09022015). Collection method: clinical testing. Allele origin: germline.
Comment: This sequence change replaces phenylalanine, which is neutral and non-polar, with cysteine, which is neutral and slightly polar, at codon 100 of the GRIN2A protein (p.Phe100Cys). This variant is not present in population databases (gnomAD no frequency). This variant has not been reported in the literature in individuals affected with GRIN2A-related conditions. Invitae Evidence Modeling of protein sequence and biophysical properties (such as structural, functional, and spatial information, amino acid conservation, physicochemical variation, residue mobility, and thermodynamic stability) indicates that this missense variant is expected to disrupt GRIN2A protein function with a positive predictive value of 95%. In summary, the available evidence is currently insufficient to determine the role of this variant in disease. Therefore, it has been classified as a Variant of Uncertain Significance.

NM_001134407.3(GRIN2A):c.299T>G (p.Phe100Cys)

Gene: GRIN2A (glutamate ionotropic receptor NMDA type subunit 2A; minus strand). Cytogenetic location: 16p13.2.
Variant type: single nucleotide variant.
Coding change: c.299T>G on transcript NM_001134407.3 (MANE Select); coding-DNA position 299, T replaced by G.
Protein change: p.Phe100Cys; replaces phenylalanine 100 with cysteine.
Molecular consequence: missense variant.
Genome position (GRCh38, 1-based): chr16:10,180,113, A>C on the plus strand (T>G on the coding strand, the complement: GRIN2A is on the minus strand). VCF-style: chr16-10180113-A-C. GRCh37 (hg19) VCF-style: chr16-10273970-A-C.
Other names: c.299T>G, p.Phe100Cys (NM_000833.5, NM_001134408.2); short protein forms F100C.
Identifiers: ClinVar variation 3604191 (VCV003604191.2).